The following is an entry in ClinVar:

ClinVar aggregate classification (germline): Benign/Likely benign. Review status: criteria provided, multiple submitters, no conflicts (2 of 4 stars). 4 submissions from 4 submitters: Benign (2); Likely benign (2). Last evaluated 2025-09-10.

Conditions:
Inborn genetic diseases. Identifiers: MedGen C0950123, MeSH D030342.
Intellectual developmental disorder, autosomal dominant 6, with or without seizures. Also called: Intellectual disability, autosomal dominant 6; GRIN2B-related developmental delay, intellectual disability and autism spectrum disorder. Identifiers: Orphanet 589547, MedGen C3151411, MONDO:0013509, OMIM 613970.
Developmental and epileptic encephalopathy, 27 (DEE27). Also called: Epileptic encephalopathy, early infantile, 27; GRIN2B-Related Neurodevelopmental Disorder. Identifiers: Orphanet 3451, MedGen C4015316, MONDO:0014505, OMIM 616139.

Allele frequency attached by ClinVar (database versions not stated): gnomAD 0.00005; TOPMed 0.00008; ExAC 0.00009; gnomAD exomes 0.00015.
gnomAD v4.1: 52 of 1,614,036 alleles (0.0032%); highest among the groups gnomAD compares: Admixed American, 0.073%; no homozygotes.

Submissions (4):

Labcorp Genetics (formerly Invitae), Labcorp
Classification: Likely benign for Developmental and epileptic encephalopathy, 27; Intellectual developmental disorder, autosomal dominant 6, with or without seizures. Last evaluated: 2025-09-10. Review status: criteria provided, single submitter. Criteria: Invitae Variant Classification Sherloc (09022015). Collection method: clinical testing. Allele origin: germline.

Mayo Clinic Laboratories, Mayo Clinic
Classification: Benign. Last evaluated: 2024-09-27. Review status: criteria provided, single submitter. Criteria: ACMG Guidelines, 2015. Collection method: clinical testing. Allele origin: germline. Observed: 1 variant allele.
Comment: BS1, BS2, BP4, BP7

GeneDx
Classification: Benign. Last evaluated: 2020-02-11. Review status: criteria provided, single submitter. Criteria: GeneDx Variant Classification Process June 2021. Collection method: clinical testing. Allele origin: germline. Affected: yes.

Ambry Genetics
Classification: Likely benign for Inborn genetic diseases. Last evaluated: 2016-11-29. Review status: criteria provided, single submitter. Criteria: Ambry Variant Classification Scheme 2023. Collection method: clinical testing. Allele origin: germline.

NM_000834.5(GRIN2B):c.3174C>T (p.Ser1058=)

Gene: GRIN2B (glutamate ionotropic receptor NMDA type subunit 2B; minus strand). Cytogenetic location: 12p13.1.
Variant type: single nucleotide variant.
Coding change: c.3174C>T on transcript NM_000834.5 (MANE Select); coding-DNA position 3174, C replaced by T.
Protein change: p.Ser1058=; no amino-acid change (serine 1058 retained).
Molecular consequence: synonymous variant.
Genome position (GRCh38, 1-based): chr12:13,564,064, G>A on the plus strand (C>T on the coding strand, the complement: GRIN2B is on the minus strand). VCF-style: chr12-13564064-G-A. GRCh37 (hg19) VCF-style: chr12-13716998-G-A.
Other names: p.Ser1058=; c.3174C>T (NM_000834.4).
Identifiers: ClinVar variation 238194 (VCV000238194.18), dbSNP rs772364390, ClinGen allele CA6460930.